The following is an entry in ClinVar:

NM_006579.3(EBP):c.338+6T>C

Gene: EBP (EBP cholestenol delta-isomerase; plus strand). Cytogenetic location: Xp11.23.
Variant type: single nucleotide variant.
Coding change: c.338+6T>C on transcript NM_006579.3 (MANE Select); 6 bases into the intron after coding-DNA position 338, T replaced by C.
Molecular consequence: intron variant.
Genome position (GRCh38, 1-based): chrX:48,527,031, T>C. VCF-style: chrX-48527031-T-C. GRCh37 (hg19) VCF-style: chrX-48385419-T-C.
Identifiers: ClinVar variation 4876788 (VCV004876788.1).

ClinVar aggregate classification (germline): Pathogenic (1 of 4 stars; one submission).

Conditions:
MEND syndrome (MEND). Also called: MALE EBP DISORDER WITH NEUROLOGIC DEFECTS. Identifiers: Orphanet 401973, MedGen C4085243, MONDO:0010498, OMIM 300960.

gnomAD v4.1: 7 of 1,211,443 alleles (0.00058%); highest among the groups gnomAD compares: East Asian, 0.018%; no homozygotes.

Submission:

Department of Traditional Chinese Medicine, Fujian Provincial Hospital
Classification: Pathogenic for MEND syndrome. Last evaluated: 2026-07-28. Review status: criteria provided, single submitter. Criteria: ACMG Guidelines, 2015. Collection method: research. Allele origin: de novo, maternal. Affected: yes.
Comment: The EBP variant NM_006579.3:c.338+6T>C was identified in a hemizygous state in two unrelated affected males with clinical findings consistent with EBP-related MEND syndrome. The variant affects the +6 position of the splice donor region and is absent from population databases according to available population-frequency data, supporting PM2_Supporting. Functional studies, including patient-derived transcript analyses and experimental splicing assays, demonstrated abnormal EBP transcript processing and splicing, together with downstream sterol metabolic abnormalities consistent with impaired EBP function, supporting PS3. Taken together, the confirmed de novo occurrence, functional evidence demonstrating a deleterious effect, absence from population databases, and identification of the same variant in two unrelated affected males support classification of NM_006579.3:c.338+6T>C as Pathogenic according to ACMG/AMP criteria (PS2, PS3, and PM2_Supporting).